The following is an entry in ClinVar:

ClinVar aggregate classification (germline): Uncertain significance (1 of 4 stars; one submission).

Allele frequency attached by ClinVar (database versions not stated): gnomAD exomes below 0.00001; TOPMed below 0.00001; gnomAD 0.00001; ExAC 0.00002; ESP Exome Variant Server 0.00008.
gnomAD v4.1: 5 of 1,593,128 alleles (0.00031%); highest among the groups gnomAD compares: Non-Finnish European, 0.00043%; no homozygotes.

Submission:

Labcorp Genetics (formerly Invitae), Labcorp
Classification: Uncertain significance. Last evaluated: 2025-04-08. Review status: criteria provided, single submitter. Criteria: Invitae Variant Classification Sherloc (09022015). Collection method: clinical testing. Allele origin: germline.
Comment: This sequence change affects an acceptor splice site in intron 23 of the CACNA2D4 gene. It is expected to disrupt RNA splicing. Variants that disrupt the donor or acceptor splice site typically lead to a loss of protein function (PMID: 16199547), however the current clinical and genetic evidence is not sufficient to establish whether loss-of-function variants in CACNA2D4 cause disease. The frequency data for this variant in the population databases is considered unreliable, as metrics indicate poor data quality at this position in the gnomAD database. This variant has not been reported in the literature in individuals affected with CACNA2D4-related conditions. ClinVar contains an entry for this variant (Variation ID: 1493338). Algorithms developed to predict the effect of sequence changes on RNA splicing suggest that this variant may disrupt the consensus splice site. In summary, the available evidence is currently insufficient to determine the role of this variant in disease. Therefore, it has been classified as a Variant of Uncertain Significance.

Literature cited by the submitters: PubMed 16199547.

NM_172364.5(CACNA2D4):c.2247-1G>A

Gene: CACNA2D4 (calcium voltage-gated channel auxiliary subunit alpha2delta 4; minus strand). Cytogenetic location: 12p13.33.
Variant type: single nucleotide variant.
Coding change: c.2247-1G>A on transcript NM_172364.5 (MANE Select); the canonical splice acceptor site of the intron before coding-DNA position 2247, G replaced by A.
Molecular consequence: splice acceptor variant.
Genome position (GRCh38, 1-based): chr12:1,846,690, C>T on the plus strand (G>A on the coding strand, the complement: CACNA2D4 is on the minus strand). VCF-style: chr12-1846690-C-T. GRCh37 (hg19) VCF-style: chr12-1955856-C-T.
Identifiers: ClinVar variation 1493338 (VCV001493338.8), dbSNP rs377323654, ClinGen allele CA6386766.